The following is an entry in ClinVar:

NM_032829.3(FAM222A):c.99C>T (p.Ser33=)

Genes: FAM222A (family with sequence similarity 222 member A; plus strand), FAM222A-AS1 (FAM222A antisense RNA 1; minus strand). Cytogenetic location: 12q24.11.
Variant type: single nucleotide variant.
Coding change: c.99C>T on transcript NM_032829.3 (MANE Select); coding-DNA position 99, C replaced by T.
Protein change: p.Ser33=; no amino-acid change (serine 33 retained).
Molecular consequence: synonymous variant.
Genome position (GRCh38, 1-based): chr12:109,768,028, C>T. VCF-style: chr12-109768028-C-T. GRCh37 (hg19) VCF-style: chr12-110205833-C-T.
Identifiers: ClinVar variation 3770954 (VCV003770954.13).

ClinVar aggregate classification (germline): Likely benign (1 of 4 stars; one submission).

gnomAD v4.1: 5,535 of 1,613,126 alleles (0.34%); highest among the groups gnomAD compares: Non-Finnish European, 0.43%; 17 homozygotes.

Submission:

CeGaT Center for Human Genetics Tuebingen
Classification: Likely benign. Last evaluated: 2025-02-01. Review status: criteria provided, single submitter. Criteria: CeGaT Center For Human Genetics Tuebingen Variant Classification Criteria Version 2. Collection method: clinical testing. Allele origin: germline. Affected: yes. Observed: 1 variant allele.
Comment: FAM222A: BP4, BP7, BS2